The following is an entry in ClinVar:

NM_018100.4(EFHC1):c.637A>T (p.Thr213Ser)

Gene: EFHC1 (EF-hand domain containing 1; plus strand). Cytogenetic location: 6p12.2.
Variant type: single nucleotide variant.
Coding change: c.637A>T on transcript NM_018100.4 (MANE Select); coding-DNA position 637, A replaced by T.
Protein change: p.Thr213Ser; replaces threonine 213 with serine.
Molecular consequence: missense variant. On other transcripts: non-coding transcript variant (1).
Genome position (GRCh38, 1-based): chr6:52,452,751, A>T. VCF-style: chr6-52452751-A-T. GRCh37 (hg19) VCF-style: chr6-52317549-A-T.
Other names: c.580A>T, p.Thr194Ser (NM_001172420.2); short protein forms T213S, T194S.
Identifiers: ClinVar variation 567935 (VCV000567935.10), dbSNP rs201379297, ClinGen allele CA364452100.

ClinVar aggregate classification (germline): Uncertain significance (1 of 4 stars; one submission).

Conditions:
Absence seizure. Also called: Absence epilepsy. Identifiers: Orphanet 1941, MedGen C0014553.
Myoclonic epilepsy, juvenile, susceptibility to, 1. Also called: Myoclonic Epilepsy, Juvenile, 1; EJM1. Identifiers: MedGen C1850778, MONDO:0020752, OMIM 254770.

Allele frequency attached by ClinVar (database versions not stated): gnomAD exomes 0.00001; TOPMed 0.00001.
gnomAD v4.1: 3 of 1,614,088 alleles (0.00019%); highest among the groups gnomAD compares: Admixed American, 0.0033%; no homozygotes.

Submission:

Labcorp Genetics (formerly Invitae), Labcorp
Classification: Uncertain significance for Myoclonic epilepsy, juvenile, susceptibility to, 1; Absence seizure. Last evaluated: 2022-03-23. Review status: criteria provided, single submitter. Criteria: Invitae Variant Classification Sherloc (09022015). Collection method: clinical testing. Allele origin: germline.
Comment: This sequence change replaces threonine, which is neutral and polar, with serine, which is neutral and polar, at codon 213 of the EFHC1 protein (p.Thr213Ser). This variant is present in population databases (no rsID available, gnomAD 0.009%). This variant has not been reported in the literature in individuals affected with EFHC1-related conditions. In summary, the available evidence is currently insufficient to determine the role of this variant in disease. Therefore, it has been classified as a Variant of Uncertain Significance. Algorithms developed to predict the effect of missense changes on protein structure and function (SIFT, PolyPhen-2, Align-GVGD) all suggest that this variant is likely to be tolerated. ClinVar contains an entry for this variant (Variation ID: 567935).